The following is an entry in ClinVar:

ClinVar aggregate classification (germline): Uncertain significance (1 of 4 stars; one submission).

Conditions:
Ataxia-telangiectasia syndrome (AT). Also called: Ataxia-telangiectasia, complementation group D; Ataxia telangiectasia (A-T); Cerebello-oculocutaneous telangiectasia; Immunodeficiency with ataxia telangiectasia; ATAXIA-TELANGIECTASIA, COMPLEMENTATION GROUP A; ATAXIA-TELANGIECTASIA, FRESNO VARIANT. Identifiers: Orphanet 100, MedGen C0004135, MONDO:0008840, OMIM 208900.

Submission:

Labcorp Genetics (formerly Invitae), Labcorp
Classification: Uncertain significance for Ataxia-telangiectasia syndrome. Last evaluated: 2025-05-27. Review status: criteria provided, single submitter. Criteria: Invitae Variant Classification Sherloc (09022015). Collection method: clinical testing. Allele origin: germline.
Comment: This sequence change replaces aspartic acid, which is acidic and polar, with histidine, which is basic and polar, at codon 148 of the ATM protein (p.Asp148His). This variant is not present in population databases (gnomAD no frequency). This variant has not been reported in the literature in individuals affected with ATM-related conditions. ClinVar contains an entry for this variant (Variation ID: 1387540). Invitae Evidence Modeling of protein sequence and biophysical properties (such as structural, functional, and spatial information, amino acid conservation, physicochemical variation, residue mobility, and thermodynamic stability) indicates that this missense variant is not expected to disrupt ATM protein function with a negative predictive value of 95%. In summary, the available evidence is currently insufficient to determine the role of this variant in disease. Therefore, it has been classified as a Variant of Uncertain Significance.

NM_000051.4(ATM):c.442G>C (p.Asp148His)

Gene: ATM (ATM serine/threonine kinase; plus strand). Cytogenetic location: 11q22.3.
Variant type: single nucleotide variant.
Coding change: c.442G>C on transcript NM_000051.4 (MANE Select); coding-DNA position 442, G replaced by C.
Protein change: p.Asp148His; replaces aspartic acid 148 with histidine.
Molecular consequence: missense variant.
Genome position (GRCh38, 1-based): chr11:108,235,780, G>C. VCF-style: chr11-108235780-G-C. GRCh37 (hg19) VCF-style: chr11-108106507-G-C.
Other names: c.442G>C, p.Asp148His (NM_001351834.2); short protein forms D148H.
Identifiers: ClinVar variation 1387540 (VCV001387540.8), dbSNP rs2135124628, ClinGen allele CA382525286.